The following is an entry in ClinVar:

NM_022124.6(CDH23):c.475C>T (p.Pro159Ser)

Gene: CDH23 (cadherin related 23; plus strand). Cytogenetic location: 10q22.1.
Variant type: single nucleotide variant.
Coding change: c.475C>T on transcript NM_022124.6 (MANE Select); coding-DNA position 475, C replaced by T.
Protein change: p.Pro159Ser; replaces proline 159 with serine.
Molecular consequence: missense variant.
Genome position (GRCh38, 1-based): chr10:71,566,787, C>T. VCF-style: chr10-71566787-C-T. GRCh37 (hg19) VCF-style: chr10-73326544-C-T.
Other names: c.475C>T, p.Pro159Ser (NM_001171930.2, NM_001171931.2, NM_001171932.2 and 1 more transcripts); short protein forms P159S.
Identifiers: ClinVar variation 1935917 (VCV001935917.2), dbSNP rs556882302, ClinGen allele CA209437844.

ClinVar aggregate classification (germline): Uncertain significance (1 of 4 stars; one submission).

Allele frequency attached by ClinVar (database versions not stated): gnomAD 0.00001.
gnomAD v4.1: 5 of 1,612,514 alleles (0.00031%); highest among the groups gnomAD compares: African/African-American, 0.0013%; no homozygotes.

Submission:

Labcorp Genetics (formerly Invitae), Labcorp
Classification: Uncertain significance. Last evaluated: 2022-06-04. Review status: criteria provided, single submitter. Criteria: Invitae Variant Classification Sherloc (09022015). Collection method: clinical testing. Allele origin: germline.
Comment: This sequence change replaces proline, which is neutral and non-polar, with serine, which is neutral and polar, at codon 159 of the CDH23 protein (p.Pro159Ser). This variant is not present in population databases (gnomAD no frequency). This variant has not been reported in the literature in individuals affected with CDH23-related conditions. Algorithms developed to predict the effect of missense changes on protein structure and function are either unavailable or do not agree on the potential impact of this missense change (SIFT: "Deleterious"; PolyPhen-2: "Not Available"; Align-GVGD: "Class C0"). In summary, the available evidence is currently insufficient to determine the role of this variant in disease. Therefore, it has been classified as a Variant of Uncertain Significance.